The following is an entry in ClinVar:

ClinVar aggregate classification (germline): Uncertain significance (1 of 4 stars; one submission).

gnomAD v4.1: 5 of 1,613,406 alleles (0.00031%); highest among the groups gnomAD compares: Non-Finnish European, 0.00042%; no homozygotes.

Submission:

Labcorp Genetics (formerly Invitae), Labcorp
Classification: Uncertain significance. Last evaluated: 2025-08-01. Review status: criteria provided, single submitter. Criteria: Invitae Variant Classification Sherloc (09022015). Collection method: clinical testing. Allele origin: germline.
Comment: This sequence change replaces arginine, which is basic and polar, with glycine, which is neutral and non-polar, at codon 669 of the MYO7A protein (p.Arg669Gly). This variant is present in population databases (no rsID available, gnomAD 0.0009%). This variant has not been reported in the literature in individuals affected with MYO7A-related conditions. ClinVar contains an entry for this variant (Variation ID: 2420705). Invitae Evidence Modeling of protein sequence and biophysical properties (such as structural, functional, and spatial information, amino acid conservation, physicochemical variation, residue mobility, and thermodynamic stability) has been performed for this missense variant. However, the output from this modeling did not meet the statistical confidence thresholds required to predict the impact of this variant on MYO7A protein function. In summary, the available evidence is currently insufficient to determine the role of this variant in disease. Therefore, it has been classified as a Variant of Uncertain Significance.

NM_000260.4(MYO7A):c.2005C>G (p.Arg669Gly)

Gene: MYO7A (myosin VIIA; plus strand). Cytogenetic location: 11q13.5.
Variant type: single nucleotide variant.
Coding change: c.2005C>G on transcript NM_000260.4 (MANE Select); coding-DNA position 2005, C replaced by G.
Protein change: p.Arg669Gly; replaces arginine 669 with glycine.
Molecular consequence: missense variant.
Genome position (GRCh38, 1-based): chr11:77,174,825, C>G. VCF-style: chr11-77174825-C-G. GRCh37 (hg19) VCF-style: chr11-76885871-C-G.
Other names: c.2005C>G, p.Arg669Gly (NM_001127180.2); c.1972C>G, p.Arg658Gly (NM_001369365.1); short protein forms R658G, R669G.
Identifiers: ClinVar variation 2420705 (VCV002420705.4), dbSNP rs111033201, ClinGen allele CA381939296.